The following is an entry in ClinVar:

ClinVar aggregate classification (germline): Uncertain significance (1 of 4 stars; one submission).

Conditions:
Cardiovascular phenotype. Identifiers: MedGen CN230736.

Submission:

Ambry Genetics
Classification: Uncertain significance for Cardiovascular phenotype. Last evaluated: 2019-06-27. Review status: criteria provided, single submitter. Criteria: Ambry Variant Classification Scheme 2023. Collection method: clinical testing. Allele origin: germline.
Comment: The p.A8584T variant (also known as c.25750G>A), located in coding exon 103 of the TTN gene, results from a G to A substitution at nucleotide position 25750. The alanine at codon 8584 is replaced by threonine, an amino acid with similar properties. This amino acid position is not well conserved in available vertebrate species. In addition, this alteration is predicted to be tolerated by in silico analysis. Since supporting evidence is limited at this time, the clinical significance of this alteration remains unclear.

NM_001267550.2(TTN):c.52945G>A (p.Ala17649Thr)

Genes: TTN (titin; minus strand), TTN-AS1 (TTN antisense RNA 1; plus strand), LOC126806425 (BRD4-independent group 4 enhancer GRCh37_chr2:179471933-179473132; plus strand). Cytogenetic location: 2q31.2.
Variant type: single nucleotide variant.
Coding change: c.52945G>A on transcript NM_001267550.2 (MANE Select); coding-DNA position 52945, G replaced by A.
Protein change: p.Ala17649Thr; replaces alanine 17649 with threonine.
Molecular consequence: missense variant.
Genome position (GRCh38, 1-based): chr2:178,607,842, C>T on the plus strand (G>A on the coding strand, the complement: TTN is on the minus strand). VCF-style: chr2-178607842-C-T. GRCh37 (hg19) VCF-style: chr2-179472569-C-T.
Other names: c.48022G>A, p.Ala16008Thr (NM_001256850.1); c.25750G>A, p.Ala8584Thr (NM_003319.4); c.45241G>A, p.Ala15081Thr (NM_133378.4); c.26125G>A, p.Ala8709Thr (NM_133432.3); c.26326G>A, p.Ala8776Thr (NM_133437.4); short protein forms A8709T, A16008T, A8584T, A15081T, A17649T, A8776T.
Identifiers: ClinVar variation 1793296 (VCV001793296.2), dbSNP rs2055287229, ClinGen allele CA349569501.